The following is an entry in ClinVar:

ClinVar aggregate classification (germline): Uncertain significance (1 of 4 stars; one submission).

Conditions:
Hereditary cancer-predisposing syndrome. Also called: Hereditary neoplastic syndrome; Tumor predisposition; Neoplastic Syndromes, Hereditary; Hereditary Cancer Syndrome. Identifiers: Orphanet 140162, MedGen C0027672, MeSH D009386, MONDO:0015356.

Allele frequency attached by ClinVar (database versions not stated): gnomAD exomes below 0.00001.

Submission:

Labcorp Genetics (formerly Invitae), Labcorp
Classification: Uncertain significance for Hereditary cancer-predisposing syndrome. Last evaluated: 2019-09-17. Review status: criteria provided, single submitter. Criteria: Invitae Variant Classification Sherloc (09022015). Collection method: clinical testing. Allele origin: germline.
Comment: This variant has not been reported in the literature in individuals with RAD50-related conditions. This variant is not present in population databases (ExAC no frequency). This sequence change replaces methionine with valine at codon 1133 of the RAD50 protein (p.Met1133Val). The methionine residue is moderately conserved and there is a small physicochemical difference between methionine and valine. Algorithms developed to predict the effect of missense changes on protein structure and function (SIFT, PolyPhen-2, Align-GVGD) all suggest that this variant is likely to be tolerated, but these predictions have not been confirmed by published functional studies and their clinical significance is uncertain. In summary, the available evidence is currently insufficient to determine the role of this variant in disease. Therefore, it has been classified as a Variant of Uncertain Significance.

NM_005732.4(RAD50):c.3397A>G (p.Met1133Val)

Genes: TH2-LCR (Th2 cytokine locus control region; plus strand), RAD50 (RAD50 double strand break repair protein; plus strand), TH2LCRR (T helper type 2 locus control region associated RNA; minus strand). Cytogenetic location: 5q31.1.
Variant type: single nucleotide variant.
Coding change: c.3397A>G on transcript NM_005732.4 (MANE Select); coding-DNA position 3397, A replaced by G.
Protein change: p.Met1133Val; replaces methionine 1133 with valine.
Molecular consequence: missense variant.
Genome position (GRCh38, 1-based): chr5:132,637,122, A>G. VCF-style: chr5-132637122-A-G. GRCh37 (hg19) VCF-style: chr5-131972814-A-G.
Other names: short protein forms M1133V.
Identifiers: ClinVar variation 955277 (VCV000955277.10), dbSNP rs1751595826, ClinGen allele CA360929703.
Genomic context (GRCh38, chr5:132,637,122, plus strand): 5'-TTACACATAATTATTTTTTATATATATGAAGTACCAATGACTTCCTTTTCCAGAGCAATA[A>G]TGAAATTTCACAGTATGAAAATGGAAGAAATCAATAAAATTATACGTGACCTGTGGCGAA-3'
Protein context (NP_005723.2, residues 1123-1143): IYYKTLDQAI[Met1133Val]KFHSMKMEEI